The following is an entry in ClinVar:

NM_002024.6(FMR1):c.1472-521C>G

Gene: FMR1 (fragile X messenger ribonucleoprotein 1; plus strand). Cytogenetic location: Xq27.3.
Variant type: single nucleotide variant.
Coding change: c.1472-521C>G on transcript NM_002024.6 (MANE Select); 521 bases into the intron before coding-DNA position 1472, C replaced by G.
Molecular consequence: intron variant.
Genome position (GRCh38, 1-based): chrX:147,944,348, C>G. VCF-style: chrX-147944348-C-G. GRCh37 (hg19) VCF-style: chrX-147025868-C-G.
Other names: c.1276-596C>G (NM_001185075.2); c.1409-521C>G (NM_001185076.2); c.1409-596C>G (NM_001185082.2); c.1213-596C>G (NM_001185081.2).
Identifiers: ClinVar variation 1180089 (VCV001180089.2), dbSNP rs1557181482, ClinGen allele CA644679506.

ClinVar aggregate classification (germline): Uncertain significance (1 of 4 stars; one submission).

Allele frequency attached by ClinVar (database versions not stated): TOPMed 0.00002; gnomAD 0.00004.
gnomAD v4.1: 4 of 751,390 alleles (0.00053%); highest among the groups gnomAD compares: African/African-American, 0.0093%; no homozygotes.

Submission:

GeneDx
Classification: Uncertain significance. Last evaluated: 2020-11-23. Review status: criteria provided, single submitter. Criteria: GeneDx Variant Classification Process June 2021. Collection method: clinical testing. Allele origin: germline. Affected: yes.
Comment: In silico analysis, which includes splice predictors and evolutionary conservation, suggests this variant may impact gene splicing. In the absence of RNA/functional studies, the actual effect of this sequence change is unknown.; This variant is associated with the following publications: (PMID: 20799337, 29178241)